The following is an entry in ClinVar:

ClinVar aggregate classification (germline): Likely benign. Review status: criteria provided, multiple submitters, no conflicts (2 of 4 stars). 2 submissions from 2 submitters: Likely benign (2). Last evaluated 2024-09-05.

Conditions:
Hereditary cancer-predisposing syndrome. Also called: Hereditary neoplastic syndrome; Tumor predisposition; Hereditary Cancer Syndrome; Neoplastic Syndromes, Hereditary. Identifiers: Orphanet 140162, MedGen C0027672, MeSH D009386, MONDO:0015356.
Familial cancer of breast. Also called: Hereditary breast cancer; hereditary breast carcinoma; BREAST CANCER, FAMILIAL. Identifiers: Orphanet 227535, MedGen C0346153, MONDO:0016419, OMIM 114480. Disease mechanism: loss of function.

Submissions (2):

Myriad Genetics, Inc.
Classification: Likely benign for Familial cancer of breast. Last evaluated: 2024-09-05. Review status: criteria provided, single submitter. Criteria: Myriad Autosomal Dominant, Autosomal Recessive and X-Linked Classification Criteria (2023). Collection method: clinical testing. Allele origin: unknown.
Comment: This variant is considered likely benign. This variant is intronic and is not expected to impact mRNA splicing.

Color Diagnostics, LLC DBA Color Health
Classification: Likely benign for Hereditary cancer-predisposing syndrome. Last evaluated: 2017-08-26. Review status: criteria provided, single submitter. Criteria: ACMG Guidelines, 2015. Collection method: clinical testing. Allele origin: germline.

NM_032043.3(BRIP1):c.2575+6A>T

Gene: BRIP1 (BRCA1 interacting DNA helicase 1; minus strand). Cytogenetic location: 17q23.2.
Variant type: single nucleotide variant.
Coding change: c.2575+6A>T on transcript NM_032043.3 (MANE Select); 6 bases into the intron after coding-DNA position 2575, A replaced by T.
Molecular consequence: intron variant.
Genome position (GRCh38, 1-based): chr17:61,693,424, T>A on the plus strand (A>T on the coding strand, the complement: BRIP1 is on the minus strand). VCF-style: chr17-61693424-T-A. GRCh37 (hg19) VCF-style: chr17-59770785-T-A.
Identifiers: ClinVar variation 491449 (VCV000491449.4), dbSNP rs1555574710, ClinGen allele CA658684159.